The following is an entry in ClinVar:

ClinVar aggregate classification (germline): Uncertain significance (1 of 4 stars; one submission).

Conditions:
Charcot-Marie-Tooth disease type 4. Also called: Charcot-Marie-Tooth disease, type IV; Charcot-Marie-Tooth, Type 4. Identifiers: Orphanet 64749, MedGen C4082197, MONDO:0018995.

Allele frequency attached by ClinVar (database versions not stated): gnomAD exomes below 0.00001.
gnomAD v4.1: 1 of 1,614,108 alleles (0.000062%); highest among the groups gnomAD compares: Non-Finnish European, 0.000085%; no homozygotes.

Submission:

Labcorp Genetics (formerly Invitae), Labcorp
Classification: Uncertain significance for Charcot-Marie-Tooth disease type 4. Last evaluated: 2016-06-09. Review status: criteria provided, single submitter. Criteria: Invitae Variant Classification Sherloc (09022015). Collection method: clinical testing. Allele origin: germline.
Comment: In summary, this variant is a novel missense change with uncertain impact on protein function. It has been classified as a Variant of Uncertain Significance. Algorithms developed to predict the effect of missense changes on protein structure and function do not agree on the potential impact of this missense change (SIFT: "Tolerated"; PolyPhen-2: "Probably Damaging"; Align-GVGD: "Class C0"). This variant is not present in population databases (ExAC no frequency) and has not been reported in the literature in individuals with a SBF2-related disease. This sequence change replaces aspartic acid with alanine at codon 72 of the SBF2 protein (p.Asp72Ala). The aspartic acid residue is moderately conserved and there is a moderate physicochemical difference between aspartic acid and alanine.

NM_030962.4(SBF2):c.215A>C (p.Asp72Ala)

Gene: SBF2 (SET binding factor 2; minus strand). Cytogenetic location: 11p15.4.
Variant type: single nucleotide variant.
Coding change: c.215A>C on transcript NM_030962.4 (MANE Select); coding-DNA position 215, A replaced by C.
Protein change: p.Asp72Ala; replaces aspartic acid 72 with alanine.
Molecular consequence: missense variant.
Genome position (GRCh38, 1-based): chr11:10,042,908, T>G on the plus strand (A>C on the coding strand, the complement: SBF2 is on the minus strand). VCF-style: chr11-10042908-T-G. GRCh37 (hg19) VCF-style: chr11-10064455-T-G.
Other names: c.215A>C, p.Asp72Ala (NM_001386339.1, NM_001386342.1); short protein forms D72A.
Identifiers: ClinVar variation 403860 (VCV000403860.9), dbSNP rs1060500000, ClinGen allele CA16612945.